The following is an entry in ClinVar:

NM_000548.5(TSC2):c.2167A>G (p.Ile723Val)

Gene: TSC2 (TSC complex subunit 2; plus strand). Cytogenetic location: 16p13.3.
Variant type: single nucleotide variant.
Coding change: c.2167A>G on transcript NM_000548.5 (MANE Select); coding-DNA position 2167, A replaced by G.
Protein change: p.Ile723Val; replaces isoleucine 723 with valine.
Molecular consequence: missense variant.
Genome position (GRCh38, 1-based): chr16:2,072,310, A>G. VCF-style: chr16-2072310-A-G. GRCh37 (hg19) VCF-style: chr16-2122311-A-G.
Other names: c.2167A>G, p.Ile723Val (NM_021055.3, NM_001077183.3, NM_001114382.3 and 3 more transcripts); c.2056A>G, p.Ile686Val (NM_001318827.2); c.2020A>G, p.Ile674Val (NM_001318829.2); c.1567A>G, p.Ile523Val (NM_001318831.2); c.2200A>G, p.Ile734Val (NM_001318832.2); c.2167A>G (NM_000548.4); short protein forms I723V, I674V, I523V, I686V, I734V.
Identifiers: ClinVar variation 237983 (VCV000237983.52), dbSNP rs764725850, ClinGen allele CA10583305.

ClinVar aggregate classification (germline): Conflicting classifications of pathogenicity. Review status: criteria provided, conflicting classifications (1 of 4 stars). 9 submissions from 9 submitters: Uncertain significance (4); Benign (1); Likely benign (4). Last evaluated 2026-01-25.

Conditions:
Hereditary cancer-predisposing syndrome. Also called: Tumor predisposition; Hereditary Cancer Syndrome; Neoplastic Syndromes, Hereditary; Hereditary neoplastic syndrome. Identifiers: Orphanet 140162, MedGen C0027672, MeSH D009386, MONDO:0015356.
Tuberous sclerosis 2 (TSC2). Identifiers: Orphanet 805, MedGen C1860707, MONDO:0013199, OMIM 613254.
Tuberous sclerosis syndrome (TSC). Also called: Tuberous Sclerosis Complex; Tuberous sclerosis. Identifiers: Orphanet 805, MedGen C0041341, MONDO:0001734.

Allele frequency attached by ClinVar (database versions not stated): TOPMed below 0.00001.
gnomAD v4.1: 20 of 1,614,146 alleles (0.0012%); highest among the groups gnomAD compares: Non-Finnish European, 0.0017%; no homozygotes.

Submissions (9):

Labcorp Genetics (formerly Invitae), Labcorp
Classification: Benign for Tuberous sclerosis 2. Last evaluated: 2026-01-25. Review status: criteria provided, single submitter. Criteria: Invitae Variant Classification Sherloc (09022015). Collection method: clinical testing. Allele origin: germline.

All of Us Research Program, National Institutes of Health
Classification: Uncertain significance for Tuberous sclerosis syndrome. Last evaluated: 2024-07-29. Review status: criteria provided, single submitter. Criteria: ACMG Guidelines, 2015. Collection method: clinical testing. Allele origin: germline. Inheritance: Autosomal dominant inheritance. Observed: 8 variant alleles, 8 heterozygotes.
Comment: This missense variant replaces isoleucine with valine at codon 723 of the TSC2 protein. Computational prediction suggests that this variant may not impact protein structure and function (internally defined REVEL score threshold <= 0.5, PMID: 27666373). To our knowledge, functional studies have not been reported for this variant. This variant has not been reported in individuals affected with hereditary cancer in the literature. This variant has been identified in 3/251236 chromosomes in the general population by the Genome Aggregation Database (gnomAD). The available evidence is insufficient to determine the role of this variant in disease conclusively. Therefore, this variant is classified as a Variant of Uncertain Significance.

This study involves interpretation of variants in research participants for the purpose of population health screening. Participant phenotype was not available at the time of variant classification. Additional details can be found in publication PMID: 35346344, PMCID: PMC8962531

Color Diagnostics, LLC DBA Color Health
Classification: Uncertain significance for Tuberous sclerosis syndrome. Last evaluated: 2024-07-19. Review status: criteria provided, single submitter. Criteria: ACMG Guidelines, 2015. Collection method: clinical testing. Allele origin: germline.
Comment: This missense variant replaces isoleucine with valine at codon 723 of the TSC2 protein. Computational prediction suggests that this variant may not impact protein structure and function. To our knowledge, functional studies have not been reported for this variant. This variant has not been reported in individuals affected with hereditary cancer in the literature. This variant has been identified in 3/251236 chromosomes in the general population by the Genome Aggregation Database (gnomAD). The available evidence is insufficient to determine the role of this variant in disease conclusively. Therefore, this variant is classified as a Variant of Uncertain Significance.

CeGaT Center for Human Genetics Tuebingen
Classification: Likely benign. Last evaluated: 2023-10-01. Review status: criteria provided, single submitter. Criteria: CeGaT Center For Human Genetics Tuebingen Variant Classification Criteria Version 2. Collection method: clinical testing. Allele origin: germline. Affected: yes. Observed: 1 variant allele.
Comment: TSC2: BP4, BS2

Ambry Genetics
Classification: Likely benign for Hereditary cancer-predisposing syndrome. Last evaluated: 2023-07-06. Review status: criteria provided, single submitter. Criteria: Ambry Variant Classification Scheme 2023. Collection method: clinical testing. Allele origin: germline.

Johns Hopkins Genomics, Johns Hopkins University
Classification: Uncertain significance for Tuberous sclerosis 2. Last evaluated: 2022-12-12. Review status: criteria provided, single submitter. Criteria: ACMG Guidelines, 2015. Collection method: clinical testing. Allele origin: germline.
Comment: This TSC2 missense variant (rs764725850) is rare (<0.1%) in a large population dataset (gnomAD v2.1.1: 3/251236 total alleles; 0.0012%; no homozygotes). It has been reported in ClinVar (Variation ID 237983), but not in the literature, to our knowledge. Two bioinformatic tools queried predict that this substitution would be tolerated. While the isoleucine residue at this position is evolutionarily conserved across many of the species assessed, several species have a different amino acid at this position, including 4 species with valine. We consider the clinical significance of c.2167A>G; p.Ile723Val in TSC2 to be uncertain at this time.

Genome-Nilou Lab
Classification: Likely benign for Tuberous sclerosis 2. Last evaluated: 2021-11-07. Review status: criteria provided, single submitter. Criteria: ACMG Guidelines, 2015. Collection method: clinical testing. Allele origin: germline. Affected: no.

GeneDx
Classification: Likely benign. Last evaluated: 2019-07-24. Review status: criteria provided, single submitter. Criteria: GeneDx Variant Classification Process June 2021. Collection method: clinical testing. Allele origin: germline. Affected: yes.

Eurofins Ntd Llc (ga)
Classification: Uncertain significance. Last evaluated: 2016-10-04. Review status: criteria provided, single submitter. Criteria: EGL Classification Definitions 2015. Collection method: clinical testing. Allele origin: germline. Observed: 1 variant allele, 1 heterozygote.

Literature cited by the submitters: PubMed 25900779 (cited by Ambry Genetics and Johns Hopkins Genomics, Johns Hopkins University).